The following is an entry in ClinVar:

NM_007194.4(CHEK2):c.759A>G (p.Lys253=)

Gene: CHEK2 (checkpoint kinase 2; minus strand). Cytogenetic location: 22q12.1.
Variant type: single nucleotide variant.
Coding change: c.759A>G on transcript NM_007194.4 (MANE Select); coding-DNA position 759, A replaced by G.
Protein change: p.Lys253=; no amino-acid change (lysine 253 retained).
Molecular consequence: synonymous variant.
Genome position (GRCh38, 1-based): chr22:28,711,942, T>C on the plus strand (A>G on the coding strand, the complement: CHEK2 is on the minus strand). VCF-style: chr22-28711942-T-C. GRCh37 (hg19) VCF-style: chr22-29107930-T-C.
Other names: c.888A>G, p.Lys296= (NM_001005735.3); c.96A>G, p.Lys32= (NM_001257387.3); c.558A>G, p.Lys186= (NM_001349956.3); c.759A>G, p.Lys253= (NM_145862.3).
Identifiers: ClinVar variation 230084 (VCV000230084.6), dbSNP rs876658377, ClinGen allele CA10581080.

ClinVar aggregate classification (germline): Benign/Likely benign. Review status: criteria provided, multiple submitters, no conflicts (2 of 4 stars). 2 submissions from 2 submitters: Benign (1); Likely benign (1). Last evaluated 2024-10-03.

Conditions:
Hereditary cancer-predisposing syndrome. Also called: Hereditary neoplastic syndrome; Hereditary Cancer Syndrome; Neoplastic Syndromes, Hereditary; Tumor predisposition. Identifiers: Orphanet 140162, MedGen C0027672, MeSH D009386, MONDO:0015356.
Familial cancer of breast. Also called: Hereditary breast cancer; BREAST CANCER, FAMILIAL; hereditary breast carcinoma. Identifiers: Orphanet 227535, MedGen C0346153, MONDO:0016419, OMIM 114480. Disease mechanism: loss of function.

Submissions (2):

Myriad Genetics, Inc.
Classification: Benign for Familial cancer of breast. Last evaluated: 2024-10-03. Review status: criteria provided, single submitter. Criteria: Myriad Autosomal Dominant, Autosomal Recessive and X-Linked Classification Criteria (2023). Collection method: clinical testing. Allele origin: unknown.
Comment: This variant is considered benign. This variant is a silent/synonymous amino acid change and it is not expected to impact splicing.

Ambry Genetics
Classification: Likely benign for Hereditary cancer-predisposing syndrome. Last evaluated: 2015-01-14. Review status: criteria provided, single submitter. Criteria: Ambry Variant Classification Scheme 2023. Collection method: clinical testing. Allele origin: germline.